The following is an entry in ClinVar:

NM_001042492.3(NF1):c.5525A>T (p.His1842Leu)

Gene: NF1 (neurofibromin 1; plus strand). Cytogenetic location: 17q11.2.
Variant type: single nucleotide variant.
Coding change: c.5525A>T on transcript NM_001042492.3 (MANE Select); coding-DNA position 5525, A replaced by T.
Protein change: p.His1842Leu; replaces histidine 1842 with leucine.
Molecular consequence: missense variant.
Genome position (GRCh38, 1-based): chr17:31,327,755, A>T. VCF-style: chr17-31327755-A-T. GRCh37 (hg19) VCF-style: chr17-29654773-A-T.
Other names: c.5462A>T, p.His1821Leu (NM_000267.4); short protein forms H1821L, H1842L.
Identifiers: ClinVar variation 3879075 (VCV003879075.2).

ClinVar aggregate classification (germline): Uncertain significance. Review status: criteria provided, multiple submitters, no conflicts (2 of 4 stars). 2 submissions from 2 submitters: Uncertain significance (2). Last evaluated 2025-10-21.

Conditions:
Neurofibromatosis, type 1 (NF1). Also called: VON RECKLINGHAUSEN DISEASE; Peripheral type neurofibromatosis; Neurofibromatosis, type I; NEUROFIBROMATOSIS, TYPE I, SOMATIC. Identifiers: Orphanet 636, MedGen C0027831, MONDO:0018975, OMIM 162200. Disease mechanism: loss of function.
Cardiovascular phenotype. Identifiers: MedGen CN230736.
Hereditary cancer-predisposing syndrome. Also called: Neoplastic Syndromes, Hereditary; Tumor predisposition; Hereditary neoplastic syndrome; Hereditary Cancer Syndrome. Identifiers: Orphanet 140162, MedGen C0027672, MeSH D009386, MONDO:0015356.

Submissions (2):

Labcorp Genetics (formerly Invitae), Labcorp
Classification: Uncertain significance for Neurofibromatosis, type 1. Last evaluated: 2025-10-21. Review status: criteria provided, single submitter. Criteria: Invitae Variant Classification Sherloc (09022015). Collection method: clinical testing. Allele origin: germline.
Comment: This sequence change replaces histidine, which is basic and polar, with leucine, which is neutral and non-polar, at codon 1821 of the NF1 protein (p.His1821Leu). This variant is not present in population databases (gnomAD no frequency). This variant has not been reported in the literature in individuals affected with NF1-related conditions. ClinVar contains an entry for this variant (Variation ID: 3879075). Invitae Evidence Modeling of protein sequence and biophysical properties (such as structural, functional, and spatial information, amino acid conservation, physicochemical variation, residue mobility, and thermodynamic stability) indicates that this missense variant is expected to disrupt NF1 protein function with a positive predictive value of 95%. In summary, the available evidence is currently insufficient to determine the role of this variant in disease. Therefore, it has been classified as a Variant of Uncertain Significance.

Ambry Genetics
Classification: Uncertain significance for Cardiovascular phenotype; Hereditary cancer-predisposing syndrome. Last evaluated: 2025-01-23. Review status: criteria provided, single submitter. Criteria: Ambry Variant Classification Scheme 2023. Collection method: clinical testing. Allele origin: germline.
Comment: The p.H1821L variant (also known as c.5462A>T), located in coding exon 37 of the NF1 gene, results from an A to T substitution at nucleotide position 5462. The histidine at codon 1821 is replaced by leucine, an amino acid with similar properties. This amino acid position is conserved. In addition, this alteration is predicted to be deleterious by in silico analysis. Based on the available evidence, the clinical significance of this variant remains unclear.